The following is an entry in ClinVar:

ClinVar aggregate classification (germline): Uncertain significance (1 of 4 stars; one submission).

Conditions:
Leigh syndrome (NULS). Also called: Leigh's necrotizing encephalopathy; Leigh's disease; Leigh Syndrome (mtDNA deletion); Leigh Disease; Subacute necrotizing encephalopathy; Necrotizing encephalopathy infantile subacute of Leigh. Identifiers: Orphanet 506, MedGen C2931891, MONDO:0009723, OMIM 256000.

Submission:

Wong Mito Lab, Molecular and Human Genetics, Baylor College of Medicine
Classification: Uncertain significance for Leigh syndrome. Last evaluated: 2019-10-17. Review status: criteria provided, single submitter. Criteria: Modified ACMG Guidelines (Unpublished). Collection method: clinical testing. Allele origin: germline.
Comment: The NC_012920.1:m.13328C>A (YP_003024036.1:p.Thr331Asn) variant in MTND5 gene is interpretated to be a Uncertain Significance variant based on the modified ACMG guidelines (unpublished). This variant meets the following evidence codes: PP6, PP7

NC_012920.1(MT-ND5):m.13328C>A

Gene: MT-ND5 (mitochondrially encoded NADH dehydrogenase 5; plus strand).
Variant type: single nucleotide variant.
Genome position: chrM-13328-C-A.
Identifiers: ClinVar variation 693545 (VCV000693545.1), dbSNP rs1603224147, ClinGen allele CA414817490.